The following is an entry in ClinVar:

ClinVar aggregate classification (germline): Uncertain significance (1 of 4 stars; one submission).

Conditions:
Deficiency of aromatic-L-amino-acid decarboxylase. Also called: Aromatic amino acid decarboxylase deficiency; Aromatic L-Amino Acid Decarboxylase Deficiency; AADC DEFICIENCY; DDC DEFICIENCY; DOPA DECARBOXYLASE DEFICIENCY. Identifiers: Orphanet 35708, MedGen C1291564, MONDO:0012084, OMIM 608643.

Allele frequency attached by ClinVar (database versions not stated): gnomAD exomes 0.00001 and 0.00002; gnomAD 0.00002 and 0.00003; TOPMed 0.00003.
gnomAD v4.1: 35 of 1,613,818 alleles (0.0022%); highest among the groups gnomAD compares: Non-Finnish European, 0.003%; no homozygotes.

Submission:

Labcorp Genetics (formerly Invitae), Labcorp
Classification: Uncertain significance for Deficiency of aromatic-L-amino-acid decarboxylase. Last evaluated: 2022-08-19. Review status: criteria provided, single submitter. Criteria: Invitae Variant Classification Sherloc (09022015). Collection method: clinical testing. Allele origin: germline.
Comment: This sequence change replaces threonine, which is neutral and polar, with alanine, which is neutral and non-polar, at codon 247 of the DDC protein (p.Thr247Ala). This variant is present in population databases (rs754766575, gnomAD 0.002%). This variant has not been reported in the literature in individuals affected with DDC-related conditions. ClinVar contains an entry for this variant (Variation ID: 1376966). Algorithms developed to predict the effect of missense changes on protein structure and function (SIFT, PolyPhen-2, Align-GVGD) all suggest that this variant is likely to be tolerated. Algorithms developed to predict the effect of sequence changes on RNA splicing suggest that this variant may create or strengthen a splice site. In summary, the available evidence is currently insufficient to determine the role of this variant in disease. Therefore, it has been classified as a Variant of Uncertain Significance.

NM_001082971.2(DDC):c.739A>G (p.Thr247Ala)

Gene: DDC (dopa decarboxylase; minus strand). Cytogenetic location: 7p12.1.
Variant type: single nucleotide variant.
Coding change: c.739A>G on transcript NM_001082971.2 (MANE Select); coding-DNA position 739, A replaced by G.
Protein change: p.Thr247Ala; replaces threonine 247 with alanine.
Molecular consequence: missense variant.
Genome position (GRCh38, 1-based): chr7:50,504,035, T>C on the plus strand (A>G on the coding strand, the complement: DDC is on the minus strand). VCF-style: chr7-50504035-T-C. GRCh37 (hg19) VCF-style: chr7-50571733-T-C.
Other names: c.739A>G, p.Thr247Ala (NM_000790.4, NM_001242890.2); c.625A>G, p.Thr209Ala (NM_001242886.2); c.595A>G, p.Thr199Ala (NM_001242887.2); c.505A>G, p.Thr169Ala (NM_001242888.2); c.460A>G, p.Thr154Ala (NM_001242889.2); short protein forms T199A, T247A, T169A, T154A, T209A.
Identifiers: ClinVar variation 1376966 (VCV001376966.3), dbSNP rs754766575, ClinGen allele CA158229933.